The following is an entry in ClinVar:

NM_000179.3(MSH6):c.2372G>A (p.Arg791His)

Gene: MSH6 (mutS homolog 6; plus strand). Cytogenetic location: 2p16.3.
Variant type: single nucleotide variant.
Coding change: c.2372G>A on transcript NM_000179.3 (MANE Select); coding-DNA position 2372, G replaced by A.
Protein change: p.Arg791His; replaces arginine 791 with histidine.
Molecular consequence: missense variant.
Genome position (GRCh38, 1-based): chr2:47,800,355, G>A. VCF-style: chr2-47800355-G-A. GRCh37 (hg19) VCF-style: chr2-48027494-G-A.
Other names: c.1982G>A, p.Arg661His (NM_001281492.2); c.1466G>A, p.Arg489His (NM_001281493.2, NM_001281494.2); short protein forms R791H, R661H, R489H.
Identifiers: ClinVar variation 229774 (VCV000229774.24), dbSNP rs755587950, ClinGen allele CA068883.

ClinVar aggregate classification (germline): Conflicting classifications of pathogenicity. Review status: criteria provided, conflicting classifications (1 of 4 stars). 6 submissions from 6 submitters: Uncertain significance (5); Likely benign (1). Last evaluated 2026-06-04.

Conditions:
Hereditary nonpolyposis colorectal neoplasms. Identifiers: MedGen C0009405, MeSH D003123.
Hereditary cancer-predisposing syndrome. Also called: Neoplastic Syndromes, Hereditary; Hereditary Cancer Syndrome; Tumor predisposition; Hereditary neoplastic syndrome. Identifiers: Orphanet 140162, MedGen C0027672, MeSH D009386, MONDO:0015356.
Lynch syndrome. Identifiers: Orphanet 144, MedGen C4552100, MONDO:0005835. Disease mechanism: loss of function.

Allele frequency attached by ClinVar (database versions not stated): ExAC 0.00001; gnomAD exomes below 0.00001.
gnomAD v4.1: 3 of 1,614,002 alleles (0.00019%); highest among the groups gnomAD compares: Admixed American, 0.0017%; no homozygotes.

Submissions (6):

Ambry Genetics
Classification: Uncertain significance for Hereditary cancer-predisposing syndrome. Last evaluated: 2026-06-04. Review status: criteria provided, single submitter. Criteria: Ambry Variant Classification Scheme 2023. Collection method: clinical testing. Allele origin: germline.
Comment: The c.2372G>A (p.R791H) alteration is located in exon 4 (coding exon 4) of the MSH6 gene. This alteration results from a G to A substitution at nucleotide position 2372, causing the arginine (R) at amino acid position 791 to be replaced by a histidine (H). Based on data from gnomAD, the A allele has an overall frequency of <0.001% (1/250954) total alleles studied. The highest observed frequency was 0.003% (1/34582) of Latino alleles. Based on insufficient or conflicting evidence, the clinical significance of this alteration remains unclear.

Labcorp Genetics (formerly Invitae), Labcorp
Classification: Likely benign for Hereditary nonpolyposis colorectal neoplasms. Last evaluated: 2025-12-08. Review status: criteria provided, single submitter. Criteria: Invitae Variant Classification Sherloc (09022015). Collection method: clinical testing. Allele origin: germline.

GeneDx
Classification: Uncertain significance. Last evaluated: 2023-12-05. Review status: criteria provided, single submitter. Criteria: GeneDx Variant Classification Process June 2021. Collection method: clinical testing. Allele origin: germline. Affected: yes.
Comment: Not observed at significant frequency in large population cohorts (gnomAD); In silico analysis supports that this missense variant has a deleterious effect on protein structure/function; Co-occurred with a pathogenic PMS2 variant in an individual with either hereditary breast/ovarian cancer or hereditary non-polyposis colorectal cancer (PMID: 32522261); This variant is associated with the following publications: (PMID: 32522261, 17531815, 21120944)

All of Us Research Program, National Institutes of Health
Classification: Uncertain significance for Lynch syndrome. Last evaluated: 2023-03-04. Review status: criteria provided, single submitter. Criteria: ACMG Guidelines, 2015. Collection method: clinical testing. Allele origin: germline. Inheritance: Autosomal dominant inheritance. Observed: 1 variant allele, 1 heterozygote.
Comment: This missense variant replaces arginine with histidine at codon 791 of the MSH6 protein. Computational prediction suggests that this variant may have deleterious impact on protein structure and function (internally defined REVEL score threshold >= 0.7, PMID: 27666373). To our knowledge, functional studies have not been reported for this variant. This variant has not been reported in individuals affected with hereditary cancer in the literature. This variant has been identified in 1/250954 chromosomes in the general population by the Genome Aggregation Database (gnomAD). The available evidence is insufficient to determine the role of this variant in disease conclusively. Therefore, this variant is classified as a Variant of Uncertain Significance.

This study involves interpretation of variants in research participants for the purpose of population health screening. Participant phenotype was not available at the time of variant classification. Additional details can be found in publication PMID: 35346344, PMCID: PMC8962531

Women's Health and Genetics/Laboratory Corporation of America, LabCorp
Classification: Uncertain significance. Last evaluated: 2022-07-25. Review status: criteria provided, single submitter. Criteria: LabCorp Variant Classification Summary - May 2015. Collection method: clinical testing. Allele origin: germline.
Comment: Variant summary: MSH6 c.2372G>A (p.Arg791His) results in a non-conservative amino acid change located in the DNA mismatch repair protein MutS, core domain (IPR007696) of the encoded protein sequence. Five of five in-silico tools predict a damaging effect of the variant on protein function. The variant allele was found at a frequency of 4e-06 in 250954 control chromosomes (gnomAD). The available data on variant occurrences in the general population are insufficient to allow any conclusion about variant significance. c.2372G>A has been reported in the literature in an individual who went through panel testing (35 genes) for inherited cancer (example: Valazquez_2020). This individual also had a pathogenic co-occurrence (PMS2 c.137G>T, p.Ser46Ile), providing supporting evidence for a benign role (example: Valazquez_2020). This report does not provide unequivocal conclusions about association of the variant with Lynch Syndrome. To our knowledge, no experimental evidence demonstrating an impact on protein function has been reported. Three clinical diagnostic laboratories have submitted clinical-significance assessments for this variant to ClinVar after 2014 and all classified the variant as uncertain significance. Based on the evidence outlined above, the variant was classified as uncertain significance.

Color Diagnostics, LLC DBA Color Health
Classification: Uncertain significance for Hereditary cancer-predisposing syndrome. Last evaluated: 2020-11-03. Review status: criteria provided, single submitter. Criteria: ACMG Guidelines, 2015. Collection method: clinical testing. Allele origin: germline.
Comment: This missense variant replaces arginine with histidine at codon 791 of the MSH6 protein. Computational prediction suggests that this variant may have deleterious impact on protein structure and function (internally defined REVEL score threshold >= 0.7, PMID: 27666373). To our knowledge, functional studies have not been reported for this variant. This variant has not been reported in individuals affected with hereditary cancer in the literature. This variant has been identified in 1/250954 chromosomes in the general population by the Genome Aggregation Database (gnomAD). The available evidence is insufficient to determine the role of this variant in disease conclusively. Therefore, this variant is classified as a Variant of Uncertain Significance.

Literature cited by the submitters: PubMed 32522261 (cited by Women's Health and Genetics/Laboratory Corporation of America, LabCorp).